The following is an entry in ClinVar:

NM_020184.4(CNNM4):c.1475G>A (p.Gly492Asp)

Gene: CNNM4 (cyclin and CBS domain divalent metal cation transport mediator 4; plus strand). Cytogenetic location: 2q11.2.
Variant type: single nucleotide variant.
Coding change: c.1475G>A on transcript NM_020184.4 (MANE Select); coding-DNA position 1475, G replaced by A.
Protein change: p.Gly492Asp; replaces glycine 492 with aspartic acid.
Molecular consequence: missense variant.
Genome position (GRCh38, 1-based): chr2:96,797,084, G>A. VCF-style: chr2-96797084-G-A. GRCh37 (hg19) VCF-style: chr2-97462821-G-A.
Other names: short protein forms G492D.
Identifiers: ClinVar variation 1342702 (VCV001342702.2), dbSNP rs2153349278, ClinGen allele CA347702424.

ClinVar aggregate classification (germline): Pathogenic (1 of 4 stars; one submission).

Conditions:
Jalili syndrome. Also called: CONE-ROD DYSTROPHY AND AMELOGENESIS IMPERFECTA. Identifiers: Orphanet 1873, MedGen C3495589, MONDO:0009007, OMIM 217080.

Submission:

Center of Excellence in Precision Medicine and Digital Health (CEPMDH), Faculty of Dentistry, Chulalongkorn University
Classification: Pathogenic for Jalili syndrome. Review status: criteria provided, single submitter. Criteria: ACMG Guidelines, 2015. Collection method: clinical testing. Allele origin: inherited, germline. Inheritance: Autosomal recessive inheritance. Affected: yes and no. Observed: 4 variant alleles, 2 heterozygotes, 2 homozygotes.
Comment: A homozygous missense variant c.1475G>A, p.Gly492Asp, in the CNNM4 gene was identified in 2 patients diagnosed as Jalili syndrome, inherited from their parents. The variant was absent from gnomAD and the in-house Thai Exome databases. Prediction programs predict it to be probably pathogenic. Mutations of this gene have been previously reported in patients with autosomal recessive Jalili syndrome (A Parveen, MU Mirza, and M Vanmeert et al., 2019 DOI: 10.1002/mgg3.902). The variant was classified as pathogenic by ACMG guidelines.